The following is an entry in ClinVar:

NM_001457.4(FLNB):c.7642G>A (p.Gly2548Arg)

Genes: FLNB (filamin B; plus strand), FLNB-AS1 (FLNB antisense RNA 1; minus strand). Cytogenetic location: 3p14.3.
Variant type: single nucleotide variant.
Coding change: c.7642G>A on transcript NM_001457.4 (MANE Select); coding-DNA position 7642, G replaced by A.
Protein change: p.Gly2548Arg; replaces glycine 2548 with arginine.
Molecular consequence: missense variant. On other transcripts: non-coding transcript variant (1).
Genome position (GRCh38, 1-based): chr3:58,170,595, G>A. VCF-style: chr3-58170595-G-A. GRCh37 (hg19) VCF-style: chr3-58156322-G-A.
Other names: c.7735G>A, p.Gly2579Arg (NM_001164317.2); c.7609G>A, p.Gly2537Arg (NM_001164318.2); c.7570G>A, p.Gly2524Arg (NM_001164319.2); short protein forms G2524R, G2537R, G2548R, G2579R.
Identifiers: ClinVar variation 3339983 (VCV003339983.1).

ClinVar aggregate classification (germline): Uncertain significance (1 of 4 stars; one submission).

gnomAD v4.1: 25 of 1,613,978 alleles (0.0015%); highest among the groups gnomAD compares: Non-Finnish European, 0.0021%; no homozygotes.

Submission:

Women's Health and Genetics/Laboratory Corporation of America, LabCorp
Classification: Uncertain significance. Last evaluated: 2024-06-19. Review status: criteria provided, single submitter. Criteria: LabCorp Variant Classification Summary - May 2015. Collection method: clinical testing. Allele origin: germline.
Comment: Variant summary: FLNB c.7642G>A (p.Gly2548Arg) results in a non-conservative amino acid change in the encoded protein sequence. Five of five in-silico tools predict a damaging effect of the variant on protein function. The variant allele was found at a frequency of 4e-06 in 251408 control chromosomes. The available data on variant occurrences in the general population are insufficient to allow any conclusion about variant significance. To our knowledge, no occurrence of c.7642G>A in individuals affected with Larsen Syndrome and no experimental evidence demonstrating its impact on protein function have been reported. No submitters have cited clinical-significance assessments for this variant to ClinVar. Based on the evidence outlined above, the variant was classified as uncertain significance.